The following is an entry in ClinVar:

ClinVar aggregate classification (germline): Likely benign. Review status: criteria provided, multiple submitters, no conflicts (2 of 4 stars). 3 submissions from 3 submitters: Likely benign (3). Last evaluated 2026-02-01.

Allele frequency attached by ClinVar (database versions not stated): gnomAD 0.00001; TOPMed 0.00002.
gnomAD v4.1: 22 of 1,613,716 alleles (0.0014%); highest among the groups gnomAD compares: East Asian, 0.0067%; no homozygotes.

Submissions (3):

CeGaT Center for Human Genetics Tuebingen
Classification: Likely benign. Last evaluated: 2026-02-01. Review status: criteria provided, single submitter. Criteria: CeGaT Center For Human Genetics Tuebingen Variant Classification Criteria Version 2. Collection method: clinical testing. Allele origin: germline. Affected: yes. Observed: 1 variant allele.
Comment: PDHX: BP4, BP7

Labcorp Genetics (formerly Invitae), Labcorp
Classification: Likely benign. Last evaluated: 2024-10-19. Review status: criteria provided, single submitter. Criteria: Invitae Variant Classification Sherloc (09022015). Collection method: clinical testing. Allele origin: germline.

GeneDx
Classification: Likely benign. Last evaluated: 2017-02-09. Review status: criteria provided, single submitter. Criteria: GeneDx Variant Classification (06012015). Collection method: clinical testing. Allele origin: germline. Affected: yes.
Comment: This variant is considered likely benign or benign based on one or more of the following criteria: it is a conservative change, it occurs at a poorly conserved position in the protein, it is predicted to be benign by multiple in silico algorithms, and/or has population frequency not consistent with disease.

NM_003477.3(PDHX):c.675G>A (p.Thr225=)

Gene: PDHX (pyruvate dehydrogenase complex component X; plus strand). Cytogenetic location: 11p13.
Variant type: single nucleotide variant.
Coding change: c.675G>A on transcript NM_003477.3 (MANE Select); coding-DNA position 675, G replaced by A.
Protein change: p.Thr225=; no amino-acid change (threonine 225 retained).
Molecular consequence: synonymous variant. On other transcripts: intron variant (1).
Genome position (GRCh38, 1-based): chr11:34,966,673, G>A. VCF-style: chr11-34966673-G-A. GRCh37 (hg19) VCF-style: chr11-34988220-G-A.
Other names: c.495G>A, p.Thr165= (NM_001135024.2); c.343-17897G>A (NM_001166158.2).
Identifiers: ClinVar variation 507144 (VCV000507144.7), dbSNP rs558284287, ClinGen allele CA5945958.